The following is an entry in ClinVar:

NM_024548.4(CEP97):c.2110C>T (p.His704Tyr)

Gene: CEP97 (centrosomal protein 97; plus strand). Cytogenetic location: 3q12.3.
Variant type: single nucleotide variant.
Coding change: c.2110C>T on transcript NM_024548.4 (MANE Select); coding-DNA position 2110, C replaced by T.
Protein change: p.His704Tyr; replaces histidine 704 with tyrosine.
Molecular consequence: missense variant.
Genome position (GRCh38, 1-based): chr3:101,765,063, C>T. VCF-style: chr3-101765063-C-T. GRCh37 (hg19) VCF-style: chr3-101483907-C-T.
Other names: c.1933C>T, p.His645Tyr (NM_001303401.2); c.2008C>T, p.His670Tyr (NM_001410784.1); c.1831C>T, p.His611Tyr (NM_001410785.1); short protein forms H611Y, H645Y, H670Y, H704Y.
Identifiers: ClinVar variation 2192970 (VCV002192970.4), dbSNP rs199770926, ClinGen allele CA2522271.

ClinVar aggregate classification (germline): Uncertain significance (1 of 4 stars; one submission).

Allele frequency attached by ClinVar (database versions not stated): ExAC 0.00003; TOPMed 0.00003; gnomAD 0.00005; gnomAD exomes 0.00005; ESP Exome Variant Server 0.00008.
gnomAD v4.1: 86 of 1,614,128 alleles (0.0053%); highest among the groups gnomAD compares: Non-Finnish European, 0.0064%; no homozygotes.

Submission:

Labcorp Genetics (formerly Invitae), Labcorp
Classification: Uncertain significance. Last evaluated: 2026-01-03. Review status: criteria provided, single submitter. Criteria: Invitae Variant Classification Sherloc (09022015). Collection method: clinical testing. Allele origin: germline.
Comment: This sequence change replaces histidine, which is basic and polar, with tyrosine, which is neutral and polar, at codon 704 of the CEP97 protein (p.His704Tyr). This variant is present in population databases (rs199770926, gnomAD 0.01%). This variant has not been reported in the literature in individuals affected with CEP97-related conditions. ClinVar contains an entry for this variant (Variation ID: 2192970). Invitae Evidence Modeling of protein sequence and biophysical properties (such as structural, functional, and spatial information, amino acid conservation, physicochemical variation, residue mobility, and thermodynamic stability) indicates that this missense variant is not expected to disrupt CEP97 protein function with a negative predictive value of 80%. In summary, the available evidence is currently insufficient to determine the role of this variant in disease. Therefore, it has been classified as a Variant of Uncertain Significance.